The following is an entry in ClinVar:

ClinVar aggregate classification (germline): Likely pathogenic. Review status: criteria provided, multiple submitters, no conflicts (2 of 4 stars). 2 submissions from 2 submitters: Likely pathogenic (2). Last evaluated 2023-10-10.

Conditions:
Dilated cardiomyopathy 1G (CMD1G). Identifiers: Orphanet 154, MedGen C1858763, MONDO:0011400, OMIM 604145.
Autosomal recessive limb-girdle muscular dystrophy type 2J (LGMDR10). Also called: Limb-girdle muscular dystrophy, type 2J; MUSCULAR DYSTROPHY, LIMB-GIRDLE, AUTOSOMAL RECESSIVE 10. Identifiers: Orphanet 140922, MedGen C1837342, MONDO:0012127, OMIM 608807.

Submissions (2):

Labcorp Genetics (formerly Invitae), Labcorp
Classification: Likely pathogenic for Dilated cardiomyopathy 1G; Autosomal recessive limb-girdle muscular dystrophy type 2J. Last evaluated: 2023-10-10. Review status: criteria provided, single submitter. Criteria: Invitae Variant Classification Sherloc (09022015). Collection method: clinical testing. Allele origin: germline.
Comment: This sequence change creates a premature translational stop signal (p.Tyr32140*) in the TTN gene. While this is not anticipated to result in nonsense mediated decay, it is expected to create a truncated TTN protein. This variant is not present in population databases (gnomAD no frequency). This variant has not been reported in the literature in individuals affected with TTN-related conditions. ClinVar contains an entry for this variant (Variation ID: 1325278). This variant is located in the A band of TTN (PMID: 25589632). Truncating variants in this region are significantly overrepresented in patients affected with dilated cardiomyopathy (PMID: 25589632). Truncating variants in this region have also been reported in individuals affected with autosomal recessive centronuclear myopathy (PMID: 23975875). In summary, the currently available evidence indicates that the variant is pathogenic, but additional data are needed to prove that conclusively. Therefore, this variant has been classified as Likely Pathogenic.

Revvity Omics, Revvity
Classification: Likely pathogenic. Last evaluated: 2019-07-09. Review status: criteria provided, single submitter. Criteria: ACMG Guidelines, 2015. Collection method: clinical testing. Allele origin: germline.

Literature cited by the submitters: PubMed 25589632 (cited by Labcorp Genetics (formerly Invitae), Labcorp); PubMed 23975875 (cited by Labcorp Genetics (formerly Invitae), Labcorp).

NM_001267550.2(TTN):c.96420C>A (p.Tyr32140Ter)

Genes: TTN-AS1 (TTN antisense RNA 1; plus strand), TTN (titin; minus strand), LOC126806421 (CDK7 strongly-dependent group 2 enhancer GRCh37_chr2:179407630-179408829; plus strand). Cytogenetic location: 2q31.2.
Variant type: single nucleotide variant.
Coding change: c.96420C>A on transcript NM_001267550.2 (MANE Select); coding-DNA position 96420, C replaced by A.
Protein change: p.Tyr32140Ter; replaces tyrosine 32140 with a stop codon.
Molecular consequence: nonsense.
Genome position (GRCh38, 1-based): chr2:178,543,553, G>T on the plus strand (C>A on the coding strand, the complement: TTN is on the minus strand). VCF-style: chr2-178543553-G-T. GRCh37 (hg19) VCF-style: chr2-179408280-G-T.
Other names: c.88716C>A, p.Tyr29572Ter (NM_133378.4); c.91497C>A, p.Tyr30499Ter (NM_001256850.1); c.69225C>A, p.Tyr23075Ter (NM_003319.4); c.69600C>A, p.Tyr23200Ter (NM_133432.3); c.69801C>A, p.Tyr23267Ter (NM_133437.4); short protein forms Y23075*, Y23200*, Y23267*, Y29572*, Y30499*, Y32140*.
Identifiers: ClinVar variation 1325278 (VCV001325278.7), dbSNP rs1009407656, ClinGen allele CA349448771.
Genomic context (GRCh38, chr2:178,543,553, plus strand): 5'-GCTGCATTTGGTAGTTACTGTTTTGAATGCTCTCATAGCAGCTTCACGCTTCTCAACGAT[G>T]TAATTGTTGACTGGAGCTCCACCATCAATCGTGGGAATTTCCCAAGTTATAGTCACAGAA-3'